The following is an entry in ClinVar:

NM_001349253.2(SCN11A):c.2775C>T (p.Asp925=)

Gene: SCN11A (sodium voltage-gated channel alpha subunit 11; minus strand). Cytogenetic location: 3p22.2.
Variant type: single nucleotide variant.
Coding change: c.2775C>T on transcript NM_001349253.2 (MANE Select); coding-DNA position 2775, C replaced by T.
Protein change: p.Asp925=; no amino-acid change (aspartic acid 925 retained).
Molecular consequence: synonymous variant.
Genome position (GRCh38, 1-based): chr3:38,894,593, G>A on the plus strand (C>T on the coding strand, the complement: SCN11A is on the minus strand). VCF-style: chr3-38894593-G-A. GRCh37 (hg19) VCF-style: chr3-38936084-G-A.
Other names: c.2775C>T, p.Asp925= (NM_014139.3); c.2775C>T (NM_014139.2).
Identifiers: ClinVar variation 1166344 (VCV001166344.8), dbSNP rs140576269, ClinGen allele CA2321969.

ClinVar aggregate classification (germline): Benign/Likely benign. Review status: criteria provided, multiple submitters, no conflicts (2 of 4 stars). 2 submissions from 2 submitters: Benign (1); Likely benign (1). Last evaluated 2025-10-21.

Conditions:
SCN11A-related disorder. Also called: SCN11A-related condition.
Familial episodic pain syndrome with predominantly lower limb involvement. Also called: Episodic pain syndrome, familial, 3. Identifiers: Orphanet 391384, Orphanet 391392, MedGen C3809899, MONDO:0014247, OMIM 615552.
Hereditary sensory and autonomic neuropathy type 7. Also called: HSAN VII; Neuropathy, hereditary sensory and autonomic, type VII. Identifiers: Orphanet 391397, MedGen C3809882, MONDO:0014244, OMIM 615548.

Allele frequency attached by ClinVar (database versions not stated): gnomAD exomes 0.00003 and 0.00015; ExAC 0.00007; TOPMed 0.00037; gnomAD 0.00038 and 0.00039; 1000 Genomes Project 30x 0.00047; 1000 Genomes Project 0.00060.
gnomAD v4.1: 104 of 1,613,952 alleles (0.0064%); highest among the groups gnomAD compares: Admixed American, 0.13%; 1 homozygote.

Submissions (2):

PreventionGenetics, part of Exact Sciences
Classification: Likely benign for SCN11A-related condition. Last evaluated: 2025-10-21. Review status: criteria provided, single submitter. Criteria: ACMG Guidelines, 2015. Collection method: clinical testing. Allele origin: germline.
Comment: This variant is classified as likely benign based on ACMG/AMP sequence variant interpretation guidelines (Richards et al. 2015 PMID: 25741868, with internal and published modifications).

Labcorp Genetics (formerly Invitae), Labcorp
Classification: Benign for Familial episodic pain syndrome with predominantly lower limb involvement; Hereditary sensory and autonomic neuropathy type 7. Last evaluated: 2025-03-31. Review status: criteria provided, single submitter. Criteria: Invitae Variant Classification Sherloc (09022015). Collection method: clinical testing. Allele origin: germline.